The following is an entry in ClinVar:

ClinVar aggregate classification (germline): Uncertain significance (1 of 4 stars; one submission).

Conditions:
Pigmentary pallidal degeneration (NBIA1). Also called: HARP SYNDROME; PKAN NEUROAXONAL DYSTROPHY, JUVENILE-ONSET; Pantothenate Kinase-Associated Neurodegeneration; Neuroaxonal dystrophy, late infantile; Hallervorden-Spatz disease; Neurodegeneration with brain iron accumulation 1. Identifiers: Orphanet 157850, MedGen C0018523, MONDO:0009319, OMIM 234200.

gnomAD v4.1: 6 of 1,613,904 alleles (0.00037%); highest among the groups gnomAD compares: Non-Finnish European, 0.00051%; no homozygotes.

Submission:

Labcorp Genetics (formerly Invitae), Labcorp
Classification: Uncertain significance for Pigmentary pallidal degeneration. Last evaluated: 2026-01-11. Review status: criteria provided, single submitter. Criteria: Invitae Variant Classification Sherloc (09022015). Collection method: clinical testing. Allele origin: germline.
Comment: This sequence change replaces leucine, which is neutral and non-polar, with arginine, which is basic and polar, at codon 510 of the PANK2 protein (p.Leu510Arg). This variant is present in population databases (no rsID available, gnomAD 0.002%). This variant has not been reported in the literature in individuals affected with PANK2-related conditions. Invitae Evidence Modeling of protein sequence and biophysical properties (such as structural, functional, and spatial information, amino acid conservation, physicochemical variation, residue mobility, and thermodynamic stability) indicates that this missense variant is expected to disrupt PANK2 protein function with a positive predictive value of 80%. In summary, the available evidence is currently insufficient to determine the role of this variant in disease. Therefore, it has been classified as a Variant of Uncertain Significance.

NM_001386393.1(PANK2):c.1199T>G (p.Leu400Arg)

Gene: PANK2 (pantothenate kinase 2; plus strand). Cytogenetic location: 20p13.
Variant type: single nucleotide variant.
Coding change: c.1199T>G on transcript NM_001386393.1 (MANE Select); coding-DNA position 1199, T replaced by G.
Protein change: p.Leu400Arg; replaces leucine 400 with arginine.
Molecular consequence: missense variant. On other transcripts: non-coding transcript variant (1).
Genome position (GRCh38, 1-based): chr20:3,917,043, T>G. VCF-style: chr20-3917043-T-G. GRCh37 (hg19) VCF-style: chr20-3897690-T-G.
Other names: c.656T>G, p.Leu219Arg (NM_001324191.2, NM_024960.6, NM_153640.4); c.221T>G, p.Leu74Arg (NM_001324193.2); c.1529T>G, p.Leu510Arg (NM_153638.4); short protein forms L219R, L400R, L510R, L74R.
Identifiers: ClinVar variation 4802245 (VCV004802245.1).